The following is an entry in ClinVar:

ClinVar aggregate classification (germline): Uncertain significance (1 of 4 stars; one submission).

Allele frequency attached by ClinVar (database versions not stated): TOPMed below 0.00001; gnomAD exomes 0.00001.
gnomAD v4.1: 14 of 1,614,230 alleles (0.00087%); highest among the groups gnomAD compares: East Asian, 0.022%; no homozygotes.

Submission:

Ambry Genetics
Classification: Uncertain significance. Last evaluated: 2025-08-03. Review status: criteria provided, single submitter. Criteria: Ambry Variant Classification Scheme 2023. Collection method: clinical testing. Allele origin: germline.
Comment: The p.K364Q variant (also known as c.1090A>C), located in coding exon 11 of the ILK gene, results from an A to C substitution at nucleotide position 1090. The lysine at codon 364 is replaced by glutamine, an amino acid with similar properties. This amino acid position is conserved. In addition, the in silico prediction for this alteration is inconclusive. Since supporting evidence is limited at this time, the clinical significance of this alteration remains unclear.

NM_004517.4(ILK):c.1090A>C (p.Lys364Gln)

Genes: ILK (integrin linked kinase; plus strand), TAF10 (TATA-box binding protein associated factor 10; minus strand). Cytogenetic location: 11p15.4.
Variant type: single nucleotide variant.
Coding change: c.1090A>C on transcript NM_004517.4 (MANE Select); coding-DNA position 1090, A replaced by C.
Protein change: p.Lys364Gln; replaces lysine 364 with glutamine.
Molecular consequence: missense variant. On other transcripts: 3 prime UTR variant (1).
Genome position (GRCh38, 1-based): chr11:6,610,159, A>C. VCF-style: chr11-6610159-A-C. GRCh37 (hg19) VCF-style: chr11-6631390-A-C.
Other names: c.1090A>C, p.Lys364Gln (NM_001014794.3, NM_001014795.3); c.907A>C, p.Lys303Gln (NM_001278441.2); c.688A>C, p.Lys230Gln (NM_001278442.2); c.*763T>G (NM_006284.4); short protein forms K230Q, K303Q, K364Q.
Identifiers: ClinVar variation 2566094 (VCV002566094.3), dbSNP rs865878764, ClinGen allele CA217315944.
Genomic context (GRCh38, chr11:6,610,159, plus strand): 5'-GAGACAGGACAGGCAAGGGGGCCAGAACAGACAAGCCCTATCTCTCCAGCTCTGCAGAAG[A>C]AGCCTGAAGACACAAACAGACGCTCAGCAGACATGTGGAGTTTTGCAGTGCTTCTGTGGG-3'
Protein context (NP_004508.1, residues 354-374): AWVAPEALQK[Lys364Gln]PEDTNRRSAD